The following is an entry in ClinVar:

ClinVar aggregate classification (germline): Uncertain significance (1 of 4 stars; one submission).

Conditions:
Saldino-Mainzer syndrome (SRTD9). Also called: CONORENAL SYNDROME; SHORT-RIB THORACIC DYSPLASIA 9 WITHOUT POLYDACTYLY; short-rib thoracic dysplasia 9 with or without polydactyly; Renal dysplasia, retinal pigmentary dystrophy, cerebellar ataxia and skeletal dysplasia. Identifiers: Orphanet 140969, MedGen C1849437, MONDO:0009964, OMIM 266920.

Allele frequency attached by ClinVar (database versions not stated): gnomAD exomes below 0.00001; ExAC 0.00001.

Submission:

Labcorp Genetics (formerly Invitae), Labcorp
Classification: Uncertain significance for Saldino-Mainzer syndrome. Last evaluated: 2025-10-06. Review status: criteria provided, single submitter. Criteria: Invitae Variant Classification Sherloc (09022015). Collection method: clinical testing. Allele origin: germline.
Comment: This sequence change replaces threonine, which is neutral and polar, with alanine, which is neutral and non-polar, at codon 382 of the IFT140 protein (p.Thr382Ala). This variant is present in population databases (rs748786377, gnomAD 0.006%). This variant has not been reported in the literature in individuals affected with IFT140-related conditions. ClinVar contains an entry for this variant (Variation ID: 942597). Invitae Evidence Modeling of protein sequence and biophysical properties (such as structural, functional, and spatial information, amino acid conservation, physicochemical variation, residue mobility, and thermodynamic stability) indicates that this missense variant is not expected to disrupt IFT140 protein function with a negative predictive value of 95%. In summary, the available evidence is currently insufficient to determine the role of this variant in disease. Therefore, it has been classified as a Variant of Uncertain Significance.

NM_014714.4(IFT140):c.1144A>G (p.Thr382Ala)

Genes: IFT140 (intraflagellar transport 140; minus strand), LOC105371046 (uncharacterized LOC105371046; plus strand). Cytogenetic location: 16p13.3.
Variant type: single nucleotide variant.
Coding change: c.1144A>G on transcript NM_014714.4 (MANE Select); coding-DNA position 1144, A replaced by G.
Protein change: p.Thr382Ala; replaces threonine 382 with alanine.
Molecular consequence: missense variant.
Genome position (GRCh38, 1-based): chr16:1,586,141, T>C on the plus strand (A>G on the coding strand, the complement: IFT140 is on the minus strand). VCF-style: chr16-1586141-T-C. GRCh37 (hg19) VCF-style: chr16-1636142-T-C.
Other names: short protein forms T382A.
Identifiers: ClinVar variation 942597 (VCV000942597.9), dbSNP rs748786377, ClinGen allele CA7814427.
Genomic context (GRCh38, chr16:1,586,141, plus strand): 5'-CTTTCATGCAGCAGAAAATGAGTGCACCGAACACCCTTGGAGGCTGTACCTGGATTTGCG[T>C]GATGTTTCCTTGGAGCTCGGTAGGGGTCTGAAGGGCCCACCTGTCCTTGCCCTCTGCCCC-3'
Protein context (NP_055529.2, residues 372-392): QTPTELQGNI[Thr382Ala]QIQWGSRKNL